The following is an entry in ClinVar:

NM_000719.7(CACNA1C):c.164C>A (p.Ala55Asp)

Gene: CACNA1C (calcium voltage-gated channel subunit alpha1 C; plus strand). Cytogenetic location: 12p13.33.
Variant type: single nucleotide variant.
Coding change: c.164C>A on transcript NM_000719.7 (MANE Select); coding-DNA position 164, C replaced by A.
Protein change: p.Ala55Asp; replaces alanine 55 with aspartic acid.
Molecular consequence: missense variant.
Genome position (GRCh38, 1-based): chr12:2,115,338, C>A. VCF-style: chr12-2115338-C-A. GRCh37 (hg19) VCF-style: chr12-2224504-C-A.
Other names: c.164C>A, p.Ala55Asp (NM_001129827.2, NM_001129829.2, NM_001129830.3 and 19 more transcripts); short protein forms A55D.
Identifiers: ClinVar variation 1402153 (VCV001402153.8), dbSNP rs2154137004, ClinGen allele CA16621920.
Genomic context (GRCh38, chr12:2,115,338, plus strand): 5'-CAGCGGGGCTGGCCCCTGAGCACATCCCCACCCCGGGGGCTGCCCTGTCGTGGCAGGCGG[C>A]CATCGACGCAGCCCGGCAGGCTAAGCTGATGGGCAGCGCTGGCAATGCGACCATCTCCAC-3'
Protein context (NP_000710.5, residues 45-65): TPGAALSWQA[Ala55Asp]IDAARQAKLM

ClinVar aggregate classification (germline): Uncertain significance (1 of 4 stars; one submission).

Conditions:
Long QT syndrome (LQTS). Identifiers: MedGen C0023976, MeSH D008133, MONDO:0002442. Disease mechanism: loss of function. Inheritance: Various modes of inheritance.

Submission:

Labcorp Genetics (formerly Invitae), Labcorp
Classification: Uncertain significance for Long QT syndrome. Last evaluated: 2021-01-06. Review status: criteria provided, single submitter. Criteria: Invitae Variant Classification Sherloc (09022015). Collection method: clinical testing. Allele origin: germline.
Comment: In summary, the available evidence is currently insufficient to determine the role of this variant in disease. Therefore, it has been classified as a Variant of Uncertain Significance. Algorithms developed to predict the effect of missense changes on protein structure and function are either unavailable or do not agree on the potential impact of this missense change (SIFT: "Deleterious"; PolyPhen-2: "Probably Damaging"; Align-GVGD: "Class C0"). This variant has not been reported in the literature in individuals with CACNA1C-related conditions. This variant is not present in population databases (ExAC no frequency). This sequence change replaces alanine with aspartic acid at codon 55 of the CACNA1C protein (p.Ala55Asp). The alanine residue is weakly conserved and there is a moderate physicochemical difference between alanine and aspartic acid.